The following is an entry in ClinVar:

ClinVar aggregate classification (germline): Uncertain significance (1 of 4 stars; one submission).

Conditions:
Donnai-Barrow syndrome. Also called: DBS/FOAR SYNDROME; FACIOOCULOACOUSTICORENAL SYNDROME. Identifiers: Orphanet 2143, MedGen C1857277, MONDO:0009104, OMIM 222448.

Submission:

Myriad Genetics, Inc.
Classification: Uncertain significance for Donnai-Barrow syndrome. Last evaluated: 2025-07-29. Review status: criteria provided, single submitter. Criteria: Myriad Autosomal Dominant, Autosomal Recessive and X-Linked Classification Criteria (2023). Collection method: clinical testing. Allele origin: unknown.
Comment: NM_004525.2(LRP2):c.8008_8010delCCA(P2670del) is an in-frame deletion classified as a variant of uncertain significance in the context of Donnai-Barrow syndrome. P2670del has not been observed in cases with relevant disease. Relevant functional assessments of this variant are not available in the literature. P2670del has been observed in referenced population frequency databases. In summary, there is insufficient evidence to classify NM_004525.2(LRP2):c.8008_8010delCCA(P2670del) as pathogenic or benign. Please note: this variant was assessed in the context of healthy population screening.

NM_004525.3(LRP2):c.8008_8010del (p.Pro2670del)

Gene: LRP2 (LDL receptor related protein 2; minus strand). Cytogenetic location: 2q31.1.
Variant type: Deletion.
Coding change: c.8008_8010del on transcript NM_004525.3 (MANE Select); coding-DNA positions 8008 to 8010, 3 bases deleted (CCA; older notation c.8008_8010delCCA).
Protein change: p.Pro2670del; deletes proline 2670.
Molecular consequence: inframe deletion.
Genome position (GRCh38, 1-based): chr2:169,202,955-169,202,957, TGG deleted on the plus strand (CCA on the coding strand, the reverse complement: LRP2 is on the minus strand). VCF-style (leftmost placement, unchanged base first): chr2-169202954-TTGG-T. GRCh37 (hg19) VCF-style: chr2-170059464-TTGG-T.
Other names: short protein forms P2670del.
Identifiers: ClinVar variation 5003962 (VCV005003962.1).
Genomic context (GRCh38, chr2:169,202,954, plus strand): 5'-GCTTCCTGTTGTTGGCCAAATACCAGTTGCCCTCATGTGGACACTGGCACTCGGCACCAT[TTGG>T]ACCTGAAGAAAGATAATCCCAGAAGAAGTAAAAGATGGATGCAGCCACCGTTCACATTGA-3'